The following is an entry in ClinVar:

ClinVar aggregate classification (germline): Uncertain significance. Review status: criteria provided, multiple submitters, no conflicts (2 of 4 stars). 2 submissions from 2 submitters: Uncertain significance (2). Last evaluated 2024-12-28.

Conditions:
Developmental and epileptic encephalopathy, 37 (DEE37). Also called: Epileptic encephalopathy, early infantile, 37. Identifiers: MedGen C4310770, MONDO:0014859, OMIM 616981.
Inborn genetic diseases. Identifiers: MedGen C0950123, MeSH D030342.

Allele frequency attached by ClinVar (database versions not stated): gnomAD 0.00001; gnomAD exomes 0.00001 and 0.00003; ExAC 0.00002; TOPMed 0.00003; 1000 Genomes Project 30x 0.00016; 1000 Genomes Project 0.00020.
gnomAD v4.1: 18 of 1,612,734 alleles (0.0011%); highest among the groups gnomAD compares: Admixed American, 0.0083%; no homozygotes.

Submissions (2):

Ambry Genetics
Classification: Uncertain significance for Inborn genetic diseases. Last evaluated: 2024-12-28. Review status: criteria provided, single submitter. Criteria: Ambry Variant Classification Scheme 2023. Collection method: clinical testing. Allele origin: germline.

Labcorp Genetics (formerly Invitae), Labcorp
Classification: Uncertain significance for Developmental and epileptic encephalopathy, 37. Last evaluated: 2022-05-06. Review status: criteria provided, single submitter. Criteria: Invitae Variant Classification Sherloc (09022015). Collection method: clinical testing. Allele origin: germline.
Comment: This sequence change replaces arginine, which is basic and polar, with tryptophan, which is neutral and slightly polar, at codon 177 of the FRRS1L protein (p.Arg177Trp). This variant is present in population databases (rs200912119, gnomAD 0.01%). This variant has not been reported in the literature in individuals affected with FRRS1L-related conditions. ClinVar contains an entry for this variant (Variation ID: 1039730). Algorithms developed to predict the effect of missense changes on protein structure and function are either unavailable or do not agree on the potential impact of this missense change (SIFT: "Deleterious"; PolyPhen-2: "Probably Damaging"; Align-GVGD: "Class C15"). In summary, the available evidence is currently insufficient to determine the role of this variant in disease. Therefore, it has been classified as a Variant of Uncertain Significance.

NM_014334.4(FRRS1L):c.376C>T (p.Arg126Trp)

Gene: FRRS1L (ferric chelate reductase 1 like; minus strand). Cytogenetic location: 9q31.3.
Variant type: single nucleotide variant.
Coding change: c.376C>T on transcript NM_014334.4 (MANE Select); coding-DNA position 376, C replaced by T.
Protein change: p.Arg126Trp; replaces arginine 126 with tryptophan.
Molecular consequence: missense variant.
Genome position (GRCh38, 1-based): chr9:109,147,137, G>A on the plus strand (C>T on the coding strand, the complement: FRRS1L is on the minus strand). VCF-style: chr9-109147137-G-A. GRCh37 (hg19) VCF-style: chr9-111909417-G-A.
Other names: c.529C>T (NM_014334.2); short protein forms R126W.
Identifiers: ClinVar variation 1039730 (VCV001039730.7), dbSNP rs200912119, ClinGen allele CA5177431.
Genomic context (GRCh38, chr9:109,147,137, plus strand): 5'-CTGCTACCCAACCATCTGTGTCTGCACTCAGCTCAAATTCTACATCAGCCCCTATCATCC[G>A]GTAGCTGAGGAAATAGTCACAGGTCTCTGCATTACAGCCTGGTTTGCCATATCTAGAAGA-3'
Protein context (NP_055149.3, residues 116-136): AETCDYFLSY[Arg126Trp]MIGADVEFEL